The following is an entry in ClinVar:

ClinVar aggregate classification (germline): Likely benign (1 of 4 stars; one submission).

Allele frequency attached by ClinVar (database versions not stated): gnomAD 0.00039; TOPMed 0.00042; ExAC 0.00048; gnomAD exomes 0.00065; ESP Exome Variant Server 0.00067.
gnomAD v4.1: 1,011 of 1,610,150 alleles (0.063%); highest among the groups gnomAD compares: Non-Finnish European, 0.08%; 1 homozygote.

Submission:

CeGaT Center for Human Genetics Tuebingen
Classification: Likely benign. Last evaluated: 2022-10-01. Review status: criteria provided, single submitter. Criteria: CeGaT Center For Human Genetics Tuebingen Variant Classification Criteria Version 2. Collection method: clinical testing. Allele origin: germline. Affected: yes. Observed: 1 variant allele.
Comment: PIK3C2G: BP4, BP7

NM_001288772.2(PIK3C2G):c.4206C>T (p.Pro1402=)

Gene: PIK3C2G (phosphatidylinositol-4-phosphate 3-kinase catalytic subunit type 2 gamma; plus strand). Cytogenetic location: 12p12.3.
Variant type: single nucleotide variant.
Coding change: c.4206C>T on transcript NM_001288772.2 (MANE Select); coding-DNA position 4206, C replaced by T.
Protein change: p.Pro1402=; no amino-acid change (proline 1402 retained).
Molecular consequence: synonymous variant.
Genome position (GRCh38, 1-based): chr12:18,640,452, C>T. VCF-style: chr12-18640452-C-T. GRCh37 (hg19) VCF-style: chr12-18793386-C-T.
Other names: c.4083C>T, p.Pro1361= (NM_004570.6); c.3540C>T, p.Pro1180= (NM_001288774.2).
Identifiers: ClinVar variation 2642766 (VCV002642766.24), dbSNP rs371319345, ClinGen allele CA6470936.
Genomic context (GRCh38, chr12:18,640,452, plus strand): 5'-AACATGCATTAATATTTATAACCATTTTCCTTTGCAGCATCTCCCAGATGGCTCTGCGCC[C>T]AGTGCACATGTTGAATTTTATCTTTTACCATATCCCAGTGAAGTTCGTAGGAGGAAAACA-3'
Protein context (NP_001275701.1, residues 1392-1412): KNIHLPDGSA[Pro1402=]SAHVEFYLLP